The following is an entry in ClinVar:

NM_001282648.2(SLC35A2):c.6G>T (p.Lys2Asn)

Gene: SLC35A2 (solute carrier family 35 member A2; minus strand). Cytogenetic location: Xp11.23.
Variant type: single nucleotide variant.
Coding change: c.6G>T on transcript NM_001282648.2; coding-DNA position 6, G replaced by T.
Protein change: p.Lys2Asn; replaces lysine 2 with asparagine.
Molecular consequence: missense variant.
Genome position (GRCh38, 1-based): chrX:48,911,872, C>A on the plus strand (G>T on the coding strand, the complement: SLC35A2 is on the minus strand). VCF-style: chrX-48911872-C-A. GRCh37 (hg19) VCF-style: chrX-48769149-C-A.
Other names: short protein forms K2N.
Identifiers: ClinVar variation 3036750 (VCV003036750.3), dbSNP rs782406865, ClinGen allele CA10406230.

ClinVar aggregate classification (germline): Likely benign. Review status: criteria provided, single submitter (1 of 4 stars). 2 submissions from 2 submitters: Likely benign (1). 1 of the submissions does not count toward it. Last evaluated 2024-10-09.

Conditions:
SLC35A2-related disorder. Also called: SLC35A2-related condition.

Allele frequency attached by ClinVar (database versions not stated): 1000 Genomes Project 30x 0.00042; 1000 Genomes Project 0.00053; gnomAD 0.00014; ExAC 0.00025.
gnomAD v4.1: 121 of 1,166,143 alleles (0.01%); highest among the groups gnomAD compares: East Asian, 0.31%; no homozygotes.

Submissions (2):

Blueprint Genetics
Classification: Likely benign. Last evaluated: 2024-10-09. Review status: criteria provided, single submitter. Criteria: ACMG Guidelines, 2015. Collection method: clinical testing. Allele origin: germline.

PreventionGenetics, part of Exact Sciences
Classification: Likely benign for SLC35A2-related condition. Last evaluated: 2024-05-22. Review status: no assertion criteria provided. Collection method: clinical testing. Allele origin: germline. Not counted in ClinVar's aggregate classification.
Comment: This variant is classified as likely benign based on ACMG/AMP sequence variant interpretation guidelines (Richards et al. 2015 PMID: 25741868, with internal and published modifications).